The following is an entry in ClinVar:

NM_001365480.1(CCDC88A):c.3017C>T (p.Ala1006Val)

Gene: CCDC88A (coiled-coil domain containing 88A; minus strand). Cytogenetic location: 2p16.1.
Variant type: single nucleotide variant.
Coding change: c.3017C>T on transcript NM_001365480.1 (MANE Select); coding-DNA position 3017, C replaced by T.
Protein change: p.Ala1006Val; replaces alanine 1006 with valine.
Molecular consequence: missense variant.
Genome position (GRCh38, 1-based): chr2:55,322,673, G>A on the plus strand (C>T on the coding strand, the complement: CCDC88A is on the minus strand). VCF-style: chr2-55322673-G-A. GRCh37 (hg19) VCF-style: chr2-55549809-G-A.
Other names: c.3014C>T, p.Ala1005Val (NM_001135597.2, NM_001254943.2); c.3017C>T, p.Ala1006Val (NM_018084.5); short protein forms A1005V, A1006V.
Identifiers: ClinVar variation 1379385 (VCV001379385.4), dbSNP rs2104644509, ClinGen allele CA346895355.

ClinVar aggregate classification (germline): Uncertain significance (1 of 4 stars; one submission).

Submission:

Labcorp Genetics (formerly Invitae), Labcorp
Classification: Uncertain significance. Last evaluated: 2022-09-27. Review status: criteria provided, single submitter. Criteria: Invitae Variant Classification Sherloc (09022015). Collection method: clinical testing. Allele origin: germline.
Comment: In summary, the available evidence is currently insufficient to determine the role of this variant in disease. Therefore, it has been classified as a Variant of Uncertain Significance. Algorithms developed to predict the effect of missense changes on protein structure and function are either unavailable or do not agree on the potential impact of this missense change (SIFT: "Deleterious"; PolyPhen-2: "Possibly Damaging"; Align-GVGD: "Class C0"). ClinVar contains an entry for this variant (Variation ID: 1379385). This variant has not been reported in the literature in individuals affected with CCDC88A-related conditions. This variant is not present in population databases (gnomAD no frequency). This sequence change replaces alanine, which is neutral and non-polar, with valine, which is neutral and non-polar, at codon 1005 of the CCDC88A protein (p.Ala1005Val).